The following is an entry in ClinVar:

ClinVar aggregate classification (germline): Benign. Review status: criteria provided, multiple submitters, no conflicts (2 of 4 stars). 3 submissions from 3 submitters: Benign (3). Last evaluated 2026-01-29.

Allele frequency attached by ClinVar (database versions not stated): gnomAD exomes 0.00217 and 0.00534; ExAC 0.00641; ESP Exome Variant Server 0.01570; 1000 Genomes Project 0.01877; gnomAD 0.01959 and 0.02109; 1000 Genomes Project 30x 0.02077; TOPMed 0.02209.
gnomAD v4.1: 6,267 of 1,601,658 alleles (0.39%); highest among the groups gnomAD compares: African/African-American, 6.7%; 192 homozygotes.

Submissions (3):

Labcorp Genetics (formerly Invitae), Labcorp
Classification: Benign. Last evaluated: 2026-01-29. Review status: criteria provided, single submitter. Criteria: Invitae Variant Classification Sherloc (09022015). Collection method: clinical testing. Allele origin: germline.

GeneDx
Classification: Benign. Last evaluated: 2016-06-16. Review status: criteria provided, single submitter. Criteria: GeneDx Variant Classification (06012015). Collection method: clinical testing. Allele origin: germline. Affected: yes.
Comment: This variant is considered likely benign or benign based on one or more of the following criteria: it is a conservative change, it occurs at a poorly conserved position in the protein, it is predicted to be benign by multiple in silico algorithms, and/or has population frequency not consistent with disease.

Breakthrough Genomics
Classification: Benign. Review status: criteria provided, single submitter. Criteria: ACMG Guidelines, 2015. Collection method: not provided. Allele origin: germline. Inheritance: Autosomal recessive inheritance. Affected: yes.

NM_173630.4(RTTN):c.5541+16G>T

Genes: RTTN (rotatin; minus strand), LOC126862785 (MED14-independent group 3 enhancer GRCh37_chr18:67714790-67715989; plus strand). Cytogenetic location: 18q22.2.
Variant type: single nucleotide variant.
Coding change: c.5541+16G>T on transcript NM_173630.4 (MANE Select); 16 bases into the intron after coding-DNA position 5541, G replaced by T.
Molecular consequence: intron variant.
Genome position (GRCh38, 1-based): chr18:70,047,955, C>A on the plus strand (G>T on the coding strand, the complement: RTTN is on the minus strand). VCF-style: chr18-70047955-C-A. GRCh37 (hg19) VCF-style: chr18-67715191-C-A.
Other names: c.2805+16G>T (NM_001318520.2).
Identifiers: ClinVar variation 386468 (VCV000386468.10), dbSNP rs77164606, ClinGen allele CA8994923.